The following is an entry in ClinVar:

ClinVar aggregate classification (germline): Benign. Review status: criteria provided, multiple submitters, no conflicts (2 of 4 stars). 5 submissions from 5 submitters: Benign (5). Last evaluated 2026-09-01.

Allele frequency attached by ClinVar (database versions not stated): 1000 Genomes Project 30x 0.00515; 1000 Genomes Project 0.00559; gnomAD 0.00839 and 0.00844; TOPMed 0.00842; gnomAD exomes 0.01010 and 0.01238; ESP Exome Variant Server 0.01053; ExAC 0.01055.
gnomAD v4.1: 19,317 of 1,613,714 alleles (1.2%); highest among the groups gnomAD compares: Non-Finnish European, 1.4%; 157 homozygotes.

Submissions (5):

CeGaT Center for Human Genetics Tuebingen
Classification: Benign. Last evaluated: 2026-09-01. Review status: criteria provided, single submitter. Criteria: CeGaT Center For Human Genetics Tuebingen Variant Classification Criteria Version 2. Collection method: clinical testing. Allele origin: germline. Affected: yes. Observed: 86 variant alleles.
Comment: SCN3A: BP4, BP7, BS1, BS2

Labcorp Genetics (formerly Invitae), Labcorp
Classification: Benign. Last evaluated: 2026-02-03. Review status: criteria provided, single submitter. Criteria: Invitae Variant Classification Sherloc (09022015). Collection method: clinical testing. Allele origin: germline.

Athena Diagnostics
Classification: Benign. Last evaluated: 2025-06-04. Review status: criteria provided, single submitter. Criteria: Athena Diagnostics Criteria. Collection method: clinical testing. Allele origin: unknown.
Comment: The frequency of this variant in the general population is higher than would generally be expected for pathogenic variants in this gene. Computational tools yielded predictions that this variant is unlikely to have an effect on normal RNA splicing. This nucleotide position exhibits low evolutionary conservation.

Mayo Clinic Laboratories, Mayo Clinic
Classification: Benign. Last evaluated: 2024-04-15. Review status: criteria provided, single submitter. Criteria: ACMG Guidelines, 2015. Collection method: clinical testing. Allele origin: germline. Observed: 3 variant alleles.
Comment: BS1, BS2, BP4, BP7

Breakthrough Genomics
Classification: Benign. Review status: criteria provided, single submitter. Criteria: ACMG Guidelines, 2015. Collection method: not provided. Allele origin: germline. Inheritance: Autosomal dominant inheritance. Affected: yes.

NM_006922.4(SCN3A):c.552G>A (p.Thr184=)

Gene: SCN3A (sodium voltage-gated channel alpha subunit 3; minus strand). Cytogenetic location: 2q24.3.
Variant type: single nucleotide variant.
Coding change: c.552G>A on transcript NM_006922.4 (MANE Select); coding-DNA position 552, G replaced by A.
Protein change: p.Thr184=; no amino-acid change (threonine 184 retained).
Molecular consequence: synonymous variant.
Genome position (GRCh38, 1-based): chr2:165,164,442, C>T on the plus strand (G>A on the coding strand, the complement: SCN3A is on the minus strand). VCF-style: chr2-165164442-C-T. GRCh37 (hg19) VCF-style: chr2-166020952-C-T.
Other names: p.Thr184=; c.552G>A, p.Thr184= (NM_001081676.2, NM_001081677.2).
Identifiers: ClinVar variation 240714 (VCV000240714.46), dbSNP rs116682517, ClinGen allele CA1939418.